The following is an entry in ClinVar:

ClinVar aggregate classification (germline): Likely benign (1 of 4 stars; one submission).

gnomAD v4.1: 5 of 1,386,830 alleles (0.00036%); highest among the groups gnomAD compares: East Asian, 0.0029%; no homozygotes.

Submission:

CeGaT Center for Human Genetics Tuebingen
Classification: Likely benign. Last evaluated: 2025-08-01. Review status: criteria provided, single submitter. Criteria: CeGaT Center For Human Genetics Tuebingen Variant Classification Criteria Version 2. Collection method: clinical testing. Allele origin: germline. Affected: yes. Observed: 1 variant allele.
Comment: OTOG: BP4, BP7

NM_001292063.2(OTOG):c.69C>T (p.Ala23=)

Gene: OTOG (otogelin; plus strand). Cytogenetic location: 11p15.1.
Variant type: single nucleotide variant.
Coding change: c.69C>T on transcript NM_001292063.2 (MANE Select); coding-DNA position 69, C replaced by T.
Protein change: p.Ala23=; no amino-acid change (alanine 23 retained).
Molecular consequence: synonymous variant.
Genome position (GRCh38, 1-based): chr11:17,547,441, C>T. VCF-style: chr11-17547441-C-T. GRCh37 (hg19) VCF-style: chr11-17568988-C-T.
Other names: c.69C>T, p.Ala23= (NM_001277269.2).
Identifiers: ClinVar variation 4534803 (VCV004534803.6).
Genomic context (GRCh38, chr11:17,547,441, plus strand): 5'-CCTGGCGTCTGCGCTCTGCTGGCTGCTTTGTGTCTGGCTGCCCTGGGGTGAGCAGGCAGC[C>T]GAGTCCCTGCGGGTGCAGCGCCTCGGTGAGAGGGTTGTGGACTCAGGGAGGTCGGGGGCT-3'
Protein context (NP_001278992.1, residues 13-33): CVWLPWGEQA[Ala23=]ESLRVQRLAA